The following is an entry in ClinVar:

ClinVar aggregate classification (germline): Benign/Likely benign. Review status: criteria provided, multiple submitters, no conflicts (2 of 4 stars). 3 submissions from 3 submitters: Benign (1); Likely benign (2). Last evaluated 2024-10-15.

Conditions:
Hereditary cancer-predisposing syndrome. Also called: Neoplastic Syndromes, Hereditary; Tumor predisposition; Hereditary neoplastic syndrome; Hereditary Cancer Syndrome. Identifiers: Orphanet 140162, MedGen C0027672, MeSH D009386, MONDO:0015356.
Hereditary diffuse gastric adenocarcinoma (HDGC). Also called: DIFFUSE GASTRIC AND LOBULAR BREAST CANCER SYNDROME. Identifiers: Orphanet 26106, MedGen C1708349, MONDO:0007648, OMIM 137215.

Submissions (3):

Myriad Genetics, Inc.
Classification: Benign for Hereditary diffuse gastric adenocarcinoma. Last evaluated: 2024-10-15. Review status: criteria provided, single submitter. Criteria: Myriad Autosomal Dominant, Autosomal Recessive and X-Linked Classification Criteria (2023). Collection method: clinical testing. Allele origin: unknown.
Comment: This variant is considered benign. This variant is a silent/synonymous amino acid change and it is not expected to impact splicing.

Labcorp Genetics (formerly Invitae), Labcorp
Classification: Likely benign. Last evaluated: 2024-07-22. Review status: criteria provided, single submitter. Criteria: Invitae Variant Classification Sherloc (09022015). Collection method: clinical testing. Allele origin: germline.

Ambry Genetics
Classification: Likely benign for Hereditary cancer-predisposing syndrome. Last evaluated: 2020-03-18. Review status: criteria provided, single submitter. Criteria: Ambry Variant Classification Scheme 2023. Collection method: clinical testing. Allele origin: germline.

NM_001903.5(CTNNA1):c.2592A>G (p.Pro864=)

Gene: CTNNA1 (catenin alpha 1; plus strand). Cytogenetic location: 5q31.2.
Variant type: single nucleotide variant.
Coding change: c.2592A>G on transcript NM_001903.5 (MANE Select); coding-DNA position 2592, A replaced by G.
Protein change: p.Pro864=; no amino-acid change (proline 864 retained).
Molecular consequence: synonymous variant. On other transcripts: 3 prime UTR variant (5).
Genome position (GRCh38, 1-based): chr5:138,933,960, A>G. VCF-style: chr5-138933960-A-G. GRCh37 (hg19) VCF-style: chr5-138269649-A-G.
Other names: c.*137A>G (NM_001290307.3, NM_001324002.1, NM_001324003.1 and 2 more transcripts); c.2283A>G, p.Pro761= (NM_001290309.3); c.2223A>G, p.Pro741= (NM_001290310.3); c.1482A>G, p.Pro494= (NM_001290312.1, NM_001323987.1, NM_001323988.1 and 12 more transcripts); c.2592A>G, p.Pro864= (NM_001323982.2, NM_001323983.1, NM_001323984.2); c.2565A>G, p.Pro855= (NM_001323985.2); c.2499A>G, p.Pro833= (NM_001323986.2); c.1347A>G, p.Pro449= (NM_001324001.1); and 3 more.
Identifiers: ClinVar variation 1793529 (VCV001793529.5), dbSNP rs1580945796, ClinGen allele CA446793444.